The following is an entry in ClinVar:

ClinVar aggregate classification (germline): Uncertain significance. Review status: criteria provided, multiple submitters, no conflicts (2 of 4 stars). 2 submissions from 2 submitters: Uncertain significance (2). Last evaluated 2023-06-22.

Conditions:
Inborn genetic diseases. Identifiers: MedGen C0950123, MeSH D030342.

Allele frequency attached by ClinVar (database versions not stated): TOPMed below 0.00001; gnomAD 0.00004; gnomAD exomes 0.00004; ExAC 0.00011; 1000 Genomes Project 0.00040; 1000 Genomes Project 30x 0.00047.
gnomAD v4.1: 65 of 1,611,498 alleles (0.004%); highest among the groups gnomAD compares: South Asian, 0.068%; no homozygotes.

Submissions (2):

Labcorp Genetics (formerly Invitae), Labcorp
Classification: Uncertain significance. Last evaluated: 2023-06-22. Review status: criteria provided, single submitter. Criteria: Invitae Variant Classification Sherloc (09022015). Collection method: clinical testing. Allele origin: germline.
Comment: This sequence change replaces glutamine, which is neutral and polar, with histidine, which is basic and polar, at codon 598 of the TELO2 protein (p.Gln598His). In summary, the available evidence is currently insufficient to determine the role of this variant in disease. Therefore, it has been classified as a Variant of Uncertain Significance. Advanced modeling of protein sequence and biophysical properties (such as structural, functional, and spatial information, amino acid conservation, physicochemical variation, residue mobility, and thermodynamic stability) performed at Invitae indicates that this missense variant is expected to disrupt TELO2 protein function. ClinVar contains an entry for this variant (Variation ID: 2229620). This variant has not been reported in the literature in individuals affected with TELO2-related conditions. This variant is present in population databases (rs558013839, gnomAD 0.07%).

Ambry Genetics
Classification: Uncertain significance for Inborn genetic diseases. Last evaluated: 2021-03-10. Review status: criteria provided, single submitter. Criteria: Ambry Variant Classification Scheme 2023. Collection method: clinical testing. Allele origin: germline.
Comment: The c.1794G>C (p.Q598H) alteration is located in exon 15 (coding exon 14) of the TELO2 gene. This alteration results from a G to C substitution at nucleotide position 1794, causing the glutamine (Q) at amino acid position 598 to be replaced by a histidine (H). The p.Q598H alteration is predicted to be tolerated by in silico analysis. Based on insufficient or conflicting evidence, the clinical significance of this alteration remains unclear.

NM_016111.4(TELO2):c.1794G>C (p.Gln598His)

Gene: TELO2 (telomere maintenance 2; plus strand). Cytogenetic location: 16p13.3.
Variant type: single nucleotide variant.
Coding change: c.1794G>C on transcript NM_016111.4 (MANE Select); coding-DNA position 1794, G replaced by C.
Protein change: p.Gln598His; replaces glutamine 598 with histidine.
Molecular consequence: missense variant.
Genome position (GRCh38, 1-based): chr16:1,502,954, G>C. VCF-style: chr16-1502954-G-C. GRCh37 (hg19) VCF-style: chr16-1552955-G-C.
Other names: c.1794G>C, p.Gln598His (NM_001351846.2); short protein forms Q598H.
Identifiers: ClinVar variation 2229620 (VCV002229620.3), dbSNP rs558013839, ClinGen allele CA7812339.